The following is an entry in ClinVar:

ClinVar aggregate classification (germline): Uncertain significance (1 of 4 stars; one submission).

Conditions:
Familial adenomatous polyposis 1 (FAP1). Also called: FAMILIAL ADENOMATOUS POLYPOSIS 1, ATTENUATED; POLYPOSIS, ADENOMATOUS INTESTINAL. Identifiers: MedGen C2713442, MONDO:0021056, OMIM 175100. Disease mechanism: loss of function.

Submission:

Labcorp Genetics (formerly Invitae), Labcorp
Classification: Uncertain significance for Familial adenomatous polyposis 1. Last evaluated: 2023-03-19. Review status: criteria provided, single submitter. Criteria: Invitae Variant Classification Sherloc (09022015). Collection method: clinical testing. Allele origin: germline.
Comment: This variant is not present in population databases (gnomAD no frequency). This sequence change replaces serine, which is neutral and polar, with asparagine, which is neutral and polar, at codon 295 of the APC protein (p.Ser295Asn). This variant has not been reported in the literature in individuals affected with APC-related conditions. Advanced modeling of protein sequence and biophysical properties (such as structural, functional, and spatial information, amino acid conservation, physicochemical variation, residue mobility, and thermodynamic stability) performed at Invitae indicates that this missense variant is not expected to disrupt APC protein function. In summary, the available evidence is currently insufficient to determine the role of this variant in disease. Therefore, it has been classified as a Variant of Uncertain Significance.

NM_000038.6(APC):c.884G>A (p.Ser295Asn)

Gene: APC (APC regulator of Wnt signaling pathway; plus strand). Cytogenetic location: 5q22.2.
Variant type: single nucleotide variant.
Coding change: c.884G>A on transcript NM_000038.6 (MANE Select); coding-DNA position 884, G replaced by A.
Protein change: p.Ser295Asn; replaces serine 295 with asparagine.
Molecular consequence: missense variant. On other transcripts: non-coding transcript variant (2).
Genome position (GRCh38, 1-based): chr5:112,815,544, G>A. VCF-style: chr5-112815544-G-A. GRCh37 (hg19) VCF-style: chr5-112151241-G-A.
Other names: c.884G>A, p.Ser295Asn (NM_001127510.3, NM_001354895.2, NM_001354896.2 and 12 more transcripts); c.830G>A, p.Ser277Asn (NM_001127511.3); c.914G>A, p.Ser305Asn (NM_001354897.2, NM_001354902.2, NM_001407446.1); c.809G>A, p.Ser270Asn (NM_001354898.2, NM_001354904.2, NM_001407451.1); c.800G>A, p.Ser267Asn (NM_001354899.2, NM_001407452.1, NM_001407467.1 and 1 more transcripts); c.707G>A, p.Ser236Asn (NM_001354900.2, NM_001354901.2, NM_001354905.2 and 1 more transcripts); c.35G>A, p.Ser12Asn (NM_001354906.2, NM_001407470.1, NM_001407471.1 and 1 more transcripts); short protein forms S236N, S277N, S267N, S270N, S12N, S295N, S305N.
Identifiers: ClinVar variation 2988779 (VCV002988779.3), dbSNP rs752996559, ClinGen allele CA16023250.